The following is an entry in ClinVar:

NM_024675.4(PALB2):c.311C>T (p.Pro104Leu)

Gene: PALB2 (partner and localizer of BRCA2; minus strand). Cytogenetic location: 16p12.2.
Variant type: single nucleotide variant.
Coding change: c.311C>T on transcript NM_024675.4 (MANE Select); coding-DNA position 311, C replaced by T.
Protein change: p.Pro104Leu; replaces proline 104 with leucine.
Molecular consequence: missense variant.
Genome position (GRCh38, 1-based): chr16:23,636,235, G>A on the plus strand (C>T on the coding strand, the complement: PALB2 is on the minus strand). VCF-style: chr16-23636235-G-A. GRCh37 (hg19) VCF-style: chr16-23647556-G-A.
Other names: short protein forms P104L.
Identifiers: ClinVar variation 484197 (VCV000484197.19), dbSNP rs1555461835, ClinGen allele CA395138781.

ClinVar aggregate classification (germline): Conflicting classifications of pathogenicity. Review status: criteria provided, conflicting classifications (1 of 4 stars). 4 submissions from 4 submitters: Uncertain significance (3); Likely benign (1). Last evaluated 2025-11-03.

Conditions:
Familial cancer of breast. Also called: BREAST CANCER, FAMILIAL; Hereditary breast cancer; hereditary breast carcinoma. Identifiers: Orphanet 227535, MedGen C0346153, MONDO:0016419, OMIM 114480. Disease mechanism: loss of function.
Hereditary cancer-predisposing syndrome. Also called: Neoplastic Syndromes, Hereditary; Tumor predisposition; Hereditary Cancer Syndrome; Hereditary neoplastic syndrome. Identifiers: Orphanet 140162, MedGen C0027672, MeSH D009386, MONDO:0015356.

Submissions (4):

Labcorp Genetics (formerly Invitae), Labcorp
Classification: Uncertain significance for Familial cancer of breast. Last evaluated: 2025-11-03. Review status: criteria provided, single submitter. Criteria: Invitae Variant Classification Sherloc (09022015). Collection method: clinical testing. Allele origin: germline.
Comment: This sequence change replaces proline, which is neutral and non-polar, with leucine, which is neutral and non-polar, at codon 104 of the PALB2 protein (p.Pro104Leu). This variant is not present in population databases (gnomAD no frequency). This missense change has been observed in individual(s) with pancreatic cancer (PMID: 33169439). ClinVar contains an entry for this variant (Variation ID: 484197). An algorithm developed to predict the effect of missense changes on protein structure and function (PolyPhen-2) suggests that this variant is likely to be tolerated. Experimental studies have shown that this missense change affects PALB2 function (PMID: 33169439). In summary, the available evidence is currently insufficient to determine the role of this variant in disease. Therefore, it has been classified as a Variant of Uncertain Significance.

Ambry Genetics
Classification: Likely benign for Hereditary cancer-predisposing syndrome. Last evaluated: 2025-06-23. Review status: criteria provided, single submitter. Criteria: Ambry Variant Classification Scheme 2023. Collection method: clinical testing. Allele origin: germline.

Mendelics
Classification: Uncertain significance for Familial cancer of breast. Last evaluated: 2025-05-27. Review status: criteria provided, single submitter. Criteria: Mendelics Assertion Criteria 2019. Collection method: clinical testing. Allele origin: germline.
Comment: The available evidence is insufficient to conclusively determine the role of this variant. Therefore, it is classified as a Variant of Uncertain Significance.

Baylor Genetics
Classification: Uncertain significance for Familial cancer of breast. Last evaluated: 2023-10-20. Review status: criteria provided, single submitter. Criteria: ACMG Guidelines, 2015. Collection method: clinical testing. Allele origin: unknown.

Literature cited by the submitters: PubMed 33169439 (cited by Labcorp Genetics (formerly Invitae), Labcorp and Ambry Genetics).